The following is an entry in ClinVar:

NM_006734.4(HIVEP2):c.2503G>A (p.Glu835Lys)

Gene: HIVEP2 (HIVEP zinc finger 2; minus strand). Cytogenetic location: 6q24.2.
Variant type: single nucleotide variant.
Coding change: c.2503G>A on transcript NM_006734.4 (MANE Select); coding-DNA position 2503, G replaced by A.
Protein change: p.Glu835Lys; replaces glutamic acid 835 with lysine.
Molecular consequence: missense variant.
Genome position (GRCh38, 1-based): chr6:142,772,236, C>T on the plus strand (G>A on the coding strand, the complement: HIVEP2 is on the minus strand). VCF-style: chr6-142772236-C-T. GRCh37 (hg19) VCF-style: chr6-143093373-C-T.
Other names: short protein forms E835K.
Identifiers: ClinVar variation 3690045 (VCV003690045.2).

ClinVar aggregate classification (germline): Uncertain significance (1 of 4 stars; one submission).

Submission:

Labcorp Genetics (formerly Invitae), Labcorp
Classification: Uncertain significance. Last evaluated: 2025-02-17. Review status: criteria provided, single submitter. Criteria: Invitae Variant Classification Sherloc (09022015). Collection method: clinical testing. Allele origin: germline.
Comment: This sequence change replaces glutamic acid, which is acidic and polar, with lysine, which is basic and polar, at codon 835 of the HIVEP2 protein (p.Glu835Lys). This variant is not present in population databases (gnomAD no frequency). This variant has not been reported in the literature in individuals affected with HIVEP2-related conditions. This missense change has been observed in at least one individual who was not affected with HIVEP2-related conditions (internal data). An algorithm developed to predict the effect of missense changes on protein structure and function (PolyPhen-2) suggests that this variant is likely to be disruptive. In summary, the available evidence is currently insufficient to determine the role of this variant in disease. Therefore, it has been classified as a Variant of Uncertain Significance.